The following is an entry in ClinVar:

NM_174951.3(FAM9A):c.784_785del (p.Glu262fs)

Gene: FAM9A (family with sequence similarity 9 member A; minus strand). Cytogenetic location: Xp22.31.
Variant type: Deletion.
Coding change: c.784_785del on transcript NM_174951.3 (MANE Select); coding-DNA positions 784 to 785, 2 bases deleted (GA; older notation c.784_785delGA).
Protein change: p.Glu262fs; shifts the reading frame from glutamic acid 262.
Molecular consequence: frameshift variant.
Genome position (GRCh38, 1-based): chrX:8,795,124-8,795,125, TC deleted on the plus strand (GA on the coding strand, the reverse complement: FAM9A is on the minus strand); deleting any 2 consecutive bases within chrX:8,795,124-8,795,126 gives the same sequence; the c. name uses the placement nearest the transcript's 3' end. VCF-style (leftmost placement, unchanged base first): chrX-8795123-TTC-T. GRCh37 (hg19) VCF-style: chrX-8763164-TTC-T.
Other names: c.784_785del, p.Glu262fs (NM_001171186.1); short protein forms E262fs.
Identifiers: ClinVar variation 2659948 (VCV002659948.24), dbSNP rs755163917, ClinGen allele CA10343932.

ClinVar aggregate classification (germline): Likely benign (1 of 4 stars; one submission).

Submission:

CeGaT Center for Human Genetics Tuebingen
Classification: Likely benign. Last evaluated: 2022-11-01. Review status: criteria provided, single submitter. Criteria: CeGaT Center For Human Genetics Tuebingen Variant Classification Criteria Version 2. Collection method: clinical testing. Allele origin: germline. Affected: yes. Observed: 1 variant allele.
Comment: FAM9A: BS2